The following is an entry in ClinVar:

ClinVar aggregate classification (germline): Pathogenic (1 of 4 stars; one submission).

gnomAD v4.1: 3 of 1,613,832 alleles (0.00019%); highest among the groups gnomAD compares: Non-Finnish European, 0.00025%; no homozygotes.

Submission:

Labcorp Genetics (formerly Invitae), Labcorp
Classification: Pathogenic. Last evaluated: 2025-11-11. Review status: criteria provided, single submitter. Criteria: Invitae Variant Classification Sherloc (09022015). Collection method: clinical testing. Allele origin: germline.
Comment: This sequence change creates a premature translational stop signal (p.Tyr652*) in the HPS1 gene. While this is not anticipated to result in nonsense mediated decay, it is expected to disrupt the last 49 amino acid(s) of the HPS1 protein. This variant is not present in population databases (gnomAD no frequency). This variant has not been reported in the literature in individuals affected with HPS1-related conditions. This variant disrupts a region of the HPS1 protein in which other variant(s) (p.Gln686*) have been determined to be pathogenic (PMID: 26575419). This suggests that this is a clinically significant region of the protein, and that variants that disrupt it are likely to be disease-causing. For these reasons, this variant has been classified as Pathogenic.

Literature cited by the submitters: PubMed 26575419.

NM_000195.5(HPS1):c.1956C>G (p.Tyr652Ter)

Gene: HPS1 (HPS1 biogenesis of lysosomal organelles complex 3 subunit 1; minus strand). Cytogenetic location: 10q24.2.
Variant type: single nucleotide variant.
Coding change: c.1956C>G on transcript NM_000195.5 (MANE Select); coding-DNA position 1956, C replaced by G.
Protein change: p.Tyr652Ter; replaces tyrosine 652 with a stop codon.
Molecular consequence: nonsense.
Genome position (GRCh38, 1-based): chr10:98,417,711, G>C on the plus strand (C>G on the coding strand, the complement: HPS1 is on the minus strand). VCF-style: chr10-98417711-G-C. GRCh37 (hg19) VCF-style: chr10-100177468-G-C.
Other names: c.984C>G, p.Tyr328Ter (NM_001311345.2, NM_001322487.2, NM_001322489.2); c.1956C>G, p.Tyr652Ter (NM_001322476.2, NM_001322477.2); c.1857C>G, p.Tyr619Ter (NM_001322478.2, NM_001322479.2); c.1695C>G, p.Tyr565Ter (NM_001322480.2, NM_001322481.2); c.1596C>G, p.Tyr532Ter (NM_001322482.2); c.1587C>G, p.Tyr529Ter (NM_001322483.2, NM_001322484.2); c.1488C>G, p.Tyr496Ter (NM_001322485.2); short protein forms Y328*, Y496*, Y529*, Y532*, Y565*, Y619*, Y652*.
Identifiers: ClinVar variation 4810078 (VCV004810078.1).